The following is an entry in ClinVar:

NM_000704.3(ATP4A):c.297G>C (p.Glu99Asp)

Gene: ATP4A (ATPase H+/K+ transporting subunit alpha; minus strand). Cytogenetic location: 19q13.12.
Variant type: single nucleotide variant.
Coding change: c.297G>C on transcript NM_000704.3 (MANE Select); coding-DNA position 297, G replaced by C.
Protein change: p.Glu99Asp; replaces glutamic acid 99 with aspartic acid.
Molecular consequence: missense variant.
Genome position (GRCh38, 1-based): chr19:35,562,558, C>G on the plus strand (G>C on the coding strand, the complement: ATP4A is on the minus strand). VCF-style: chr19-35562558-C-G. GRCh37 (hg19) VCF-style: chr19-36053460-C-G.
Other names: short protein forms E99D.
Identifiers: ClinVar variation 3603678 (VCV003603678.2).
Genomic context (GRCh38, chr19:35,562,558, plus strand): 5'-GGCGGCAACCCACATGAGGCACTGCAGGCCCCCGGCCAGCTGCCTCGCGAACTTGACGTA[C>G]TCTGGGGTGCCCCGTGGTGGCCGCAGTGCGTTGGGCCCATCCCGCAGCAGCAGCTCAGCA-3'
Protein context (NP_000695.2, residues 89-109): NALRPPRGTP[Glu99Asp]YVKFARQLAG

ClinVar aggregate classification (germline): Uncertain significance (1 of 4 stars; one submission).

gnomAD v4.1: 3 of 1,612,952 alleles (0.00019%); highest among the groups gnomAD compares: East Asian, 0.0067%; no homozygotes.

Submission:

Labcorp Genetics (formerly Invitae), Labcorp
Classification: Uncertain significance. Last evaluated: 2024-10-15. Review status: criteria provided, single submitter. Criteria: Invitae Variant Classification Sherloc (09022015). Collection method: clinical testing. Allele origin: germline.
Comment: This sequence change replaces glutamic acid, which is acidic and polar, with aspartic acid, which is acidic and polar, at codon 99 of the ATP4A protein (p.Glu99Asp). This variant is present in population databases (rs745622171, gnomAD 0.01%). This variant has not been reported in the literature in individuals affected with ATP4A-related conditions. Invitae Evidence Modeling of protein sequence and biophysical properties (such as structural, functional, and spatial information, amino acid conservation, physicochemical variation, residue mobility, and thermodynamic stability) indicates that this missense variant is expected to disrupt ATP4A protein function with a positive predictive value of 80%. In summary, the available evidence is currently insufficient to determine the role of this variant in disease. Therefore, it has been classified as a Variant of Uncertain Significance.